The following is an entry in ClinVar:

ClinVar aggregate classification (germline): Likely pathogenic (1 of 4 stars; one submission).

Conditions:
Autosomal recessive limb-girdle muscular dystrophy type 2J (LGMDR10). Also called: Limb-girdle muscular dystrophy, type 2J; MUSCULAR DYSTROPHY, LIMB-GIRDLE, AUTOSOMAL RECESSIVE 10. Identifiers: Orphanet 140922, MedGen C1837342, MONDO:0012127, OMIM 608807.
Dilated cardiomyopathy 1G (CMD1G). Identifiers: Orphanet 154, MedGen C1858763, MONDO:0011400, OMIM 604145.

Submission:

Labcorp Genetics (formerly Invitae), Labcorp
Classification: Likely pathogenic for Dilated cardiomyopathy 1G; Autosomal recessive limb-girdle muscular dystrophy type 2J. Last evaluated: 2026-01-14. Review status: criteria provided, single submitter. Criteria: Invitae Variant Classification Sherloc (09022015). Collection method: clinical testing. Allele origin: germline.
Comment: This sequence change creates a premature translational stop signal (p.Pro5075Leufs*12) in the TTN gene. While this is not anticipated to result in nonsense mediated decay, it is expected to create a truncated TTN protein. This variant is not present in population databases (gnomAD no frequency). This variant has not been reported in the literature in individuals affected with TTN-related conditions. This variant is located in the I band of TTN (PMID: 25589632). Truncating variants in this region have been reported in individuals affected with autosomal recessive centronuclear myopathy (PMID: 23975875, internal data). Truncating variants in this region have also been identified in individuals affected with autosomal dominant dilated cardiomyopathy and/or cardio-related conditions (PMID: 27869827, 32964742, internal data). In summary, the currently available evidence indicates that the variant is pathogenic, but additional data are needed to prove that conclusively. Therefore, this variant has been classified as Likely Pathogenic.

Literature cited by the submitters: PubMed 25589632; PubMed 23975875; PubMed 27869827; PubMed 32964742.

NM_001267550.2(TTN):c.15224del (p.Pro5075fs)

Gene: TTN (titin; minus strand). Cytogenetic location: 2q31.2.
Variant type: Deletion.
Coding change: c.15224del on transcript NM_001267550.2 (MANE Select); coding-DNA position 15224, one base deleted (C; older notation c.15224delC).
Protein change: p.Pro5075fs; shifts the reading frame from proline 5075.
Molecular consequence: frameshift variant. On other transcripts: intron variant (3).
Genome position (GRCh38, 1-based): chr2:178,734,600, G deleted on the plus strand (C on the coding strand, the reverse complement: TTN is on the minus strand); the first of 2 consecutive G bases (chr2:178,734,600-178,734,601); deleting either gives the same sequence. VCF-style (leftmost placement, unchanged base first): chr2-178734599-AG-A. GRCh37 (hg19) VCF-style: chr2-179599326-AG-A.
Other names: c.14273del, p.Pro4758fs (NM_001256850.1); c.11492del, p.Pro3831fs (NM_133378.4); c.13282+3482del (NM_003319.4); c.13858+3482del (NM_133437.4); c.13657+3482del (NM_133432.3); short protein forms P5075fs, P4758fs, P3831fs.
Identifiers: ClinVar variation 4787048 (VCV004787048.1).